The following is an entry in ClinVar:

NM_006721.4(ADK):c.1013G>A (p.Arg338His)

Gene: ADK (adenosine kinase; plus strand). Cytogenetic location: 10q22.2.
Variant type: single nucleotide variant.
Coding change: c.1013G>A on transcript NM_006721.4 (MANE Select); coding-DNA position 1013, G replaced by A.
Protein change: p.Arg338His; replaces arginine 338 with histidine.
Molecular consequence: missense variant. On other transcripts: 3 prime UTR variant (1).
Genome position (GRCh38, 1-based): chr10:74,708,369, G>A. VCF-style: chr10-74708369-G-A. GRCh37 (hg19) VCF-style: chr10-76468127-G-A.
Other names: c.962G>A, p.Arg321His (NM_001123.4); c.908G>A, p.Arg303His (NM_001202449.2); c.842G>A, p.Arg281His (NM_001202450.2); c.*13G>A (NM_001369123.1); c.791G>A, p.Arg264His (NM_001369124.1); c.1013G>A (NM_006721.3); short protein forms R303H, R338H, R264H, R281H, R321H.
Identifiers: ClinVar variation 2160634 (VCV002160634.2), dbSNP rs751608368, ClinGen allele CA5564138.

ClinVar aggregate classification (germline): Uncertain significance. Review status: criteria provided, multiple submitters, no conflicts (2 of 4 stars). 2 submissions from 2 submitters: Uncertain significance (2). Last evaluated 2025-09-02.

Conditions:
Inborn genetic diseases. Identifiers: MedGen C0950123, MeSH D030342.

Allele frequency attached by ClinVar (database versions not stated): gnomAD 0.00004; TOPMed 0.00006; 1000 Genomes Project 30x 0.00016.
gnomAD v4.1: 77 of 1,612,300 alleles (0.0048%); highest among the groups gnomAD compares: African/African-American, 0.0093%; no homozygotes.

Submissions (2):

Ambry Genetics
Classification: Uncertain significance for Inborn genetic diseases. Last evaluated: 2025-09-02. Review status: criteria provided, single submitter. Criteria: Ambry Variant Classification Scheme 2023. Collection method: clinical testing. Allele origin: germline.

Labcorp Genetics (formerly Invitae), Labcorp
Classification: Uncertain significance. Last evaluated: 2022-07-28. Review status: criteria provided, single submitter. Criteria: Invitae Variant Classification Sherloc (09022015). Collection method: clinical testing. Allele origin: germline.
Comment: This sequence change replaces arginine, which is basic and polar, with histidine, which is basic and polar, at codon 321 of the ADK protein (p.Arg321His). This variant is present in population databases (rs751608368, gnomAD 0.02%). This variant has not been reported in the literature in individuals affected with ADK-related conditions. Algorithms developed to predict the effect of missense changes on protein structure and function (SIFT, PolyPhen-2, Align-GVGD) all suggest that this variant is likely to be tolerated. In summary, the available evidence is currently insufficient to determine the role of this variant in disease. Therefore, it has been classified as a Variant of Uncertain Significance.